The following is an entry in ClinVar:

NM_199420.4(POLQ):c.1423A>G (p.Lys475Glu)

Gene: POLQ (DNA polymerase theta; minus strand). Cytogenetic location: 3q13.33.
Variant type: single nucleotide variant.
Coding change: c.1423A>G on transcript NM_199420.4 (MANE Select); coding-DNA position 1423, A replaced by G.
Protein change: p.Lys475Glu; replaces lysine 475 with glutamic acid.
Molecular consequence: missense variant.
Genome position (GRCh38, 1-based): chr3:121,519,916, T>C on the plus strand (A>G on the coding strand, the complement: POLQ is on the minus strand). VCF-style: chr3-121519916-T-C. GRCh37 (hg19) VCF-style: chr3-121238763-T-C.
Other names: short protein forms K475E.
Identifiers: ClinVar variation 1772301 (VCV001772301.2), dbSNP rs2546810029, ClinGen allele CA354119066.

ClinVar aggregate classification (germline): Uncertain significance (1 of 4 stars; one submission).

Allele frequency attached by ClinVar (database versions not stated): gnomAD exomes 0.00001.

Submission:

Ambry Genetics
Classification: Uncertain significance. Last evaluated: 2024-02-22. Review status: criteria provided, single submitter. Criteria: Ambry Variant Classification Scheme 2023. Collection method: clinical testing. Allele origin: germline.
Comment: The p.K475E variant (also known as c.1423A>G), located in coding exon 9 of the POLQ gene, results from an A to G substitution at nucleotide position 1423. The lysine at codon 475 is replaced by glutamic acid, an amino acid with similar properties. This amino acid position is conserved. In addition, this alteration is predicted to be tolerated by in silico analysis. Since supporting evidence is limited at this time, the clinical significance of this alteration remains unclear.